The following is an entry in ClinVar:

NM_016306.6(DNAJB11):c.1012+6G>C

Gene: DNAJB11 (DnaJ heat shock protein family (Hsp40) member B11; plus strand). Cytogenetic location: 3q27.3.
Variant type: single nucleotide variant.
Coding change: c.1012+6G>C on transcript NM_016306.6 (MANE Select); 6 bases into the intron after coding-DNA position 1012, G replaced by C.
Molecular consequence: intron variant.
Genome position (GRCh38, 1-based): chr3:186,584,595, G>C. VCF-style: chr3-186584595-G-C. GRCh37 (hg19) VCF-style: chr3-186302384-G-C.
Other names: c.736+6G>C (NM_001378451.1).
Identifiers: ClinVar variation 4987646 (VCV004987646.1).

ClinVar aggregate classification (germline): Likely benign (1 of 4 stars; one submission).

Conditions:
DNAJB11-related disorder. Also called: DNAJB11-related condition.

gnomAD v4.1: 2 of 1,595,642 alleles (0.00013%); highest among the groups gnomAD compares: Non-Finnish European, 0.00017%; no homozygotes.

Submission:

PreventionGenetics, part of Exact Sciences
Classification: Likely benign for DNAJB11-related condition. Last evaluated: 2024-11-08. Review status: criteria provided, single submitter. Criteria: ACMG Guidelines, 2015. Collection method: clinical testing. Allele origin: germline.
Comment: This variant is classified as likely benign based on ACMG/AMP sequence variant interpretation guidelines (Richards et al. 2015 PMID: 25741868, with internal and published modifications).